The following is an entry in ClinVar:

NM_014780.5(CUL7):c.4556A>C (p.Asp1519Ala)

Gene: CUL7 (cullin 7; minus strand). Cytogenetic location: 6p21.1.
Variant type: single nucleotide variant.
Coding change: c.4556A>C on transcript NM_014780.5 (MANE Select); coding-DNA position 4556, A replaced by C.
Protein change: p.Asp1519Ala; replaces aspartic acid 1519 with alanine.
Molecular consequence: missense variant.
Genome position (GRCh38, 1-based): chr6:43,038,577, T>G on the plus strand (A>C on the coding strand, the complement: CUL7 is on the minus strand). VCF-style: chr6-43038577-T-G. GRCh37 (hg19) VCF-style: chr6-43006315-T-G.
Other names: c.4652A>C, p.Asp1551Ala (NM_001168370.2, NM_001374872.1); c.4556A>C, p.Asp1519Ala (NM_001374873.1); c.4553A>C, p.Asp1518Ala (NM_001374874.1); short protein forms D1518A, D1551A, D1519A.
Identifiers: ClinVar variation 4712622 (VCV004712622.1).

ClinVar aggregate classification (germline): Uncertain significance (1 of 4 stars; one submission).

Submission:

Labcorp Genetics (formerly Invitae), Labcorp
Classification: Uncertain significance. Last evaluated: 2025-12-25. Review status: criteria provided, single submitter. Criteria: Invitae Variant Classification Sherloc (09022015). Collection method: clinical testing. Allele origin: germline.
Comment: This sequence change replaces aspartic acid, which is acidic and polar, with alanine, which is neutral and non-polar, at codon 1519 of the CUL7 protein (p.Asp1519Ala). This variant is not present in population databases (gnomAD no frequency). This variant has not been reported in the literature in individuals affected with CUL7-related conditions. Invitae Evidence Modeling of protein sequence and biophysical properties (such as structural, functional, and spatial information, amino acid conservation, physicochemical variation, residue mobility, and thermodynamic stability) indicates that this missense variant is not expected to disrupt CUL7 protein function with a negative predictive value of 80%. In summary, the available evidence is currently insufficient to determine the role of this variant in disease. Therefore, it has been classified as a Variant of Uncertain Significance.